The following is an entry in ClinVar:

ClinVar aggregate classification (germline): Uncertain significance (1 of 4 stars; one submission).

Conditions:
Alstrom syndrome (ALMS). Identifiers: Orphanet 64, MedGen C0268425, MONDO:0008763, OMIM 203800.

Allele frequency attached by ClinVar (database versions not stated): gnomAD 0.00001; TOPMed 0.00001.
gnomAD v4.1: 1 of 1,613,934 alleles (0.000062%); highest among the groups gnomAD compares: African/African-American, 0.0013%; no homozygotes.

Submission:

Labcorp Genetics (formerly Invitae), Labcorp
Classification: Uncertain significance for Alstrom syndrome. Last evaluated: 2022-08-01. Review status: criteria provided, single submitter. Criteria: Invitae Variant Classification Sherloc (09022015). Collection method: clinical testing. Allele origin: germline.
Comment: This sequence change replaces alanine, which is neutral and non-polar, with valine, which is neutral and non-polar, at codon 4036 of the ALMS1 protein (p.Ala4036Val). This variant is not present in population databases (gnomAD no frequency). This variant has not been reported in the literature in individuals affected with ALMS1-related conditions. Experimental studies and prediction algorithms are not available or were not evaluated, and the functional significance of this variant is currently unknown. In summary, the available evidence is currently insufficient to determine the role of this variant in disease. Therefore, it has been classified as a Variant of Uncertain Significance.

NM_001378454.1(ALMS1):c.12104C>T (p.Ala4035Val)

Genes: ALMS1 (ALMS1 centrosome and basal body associated protein; plus strand), LOC126806252 (BRD4-independent group 4 enhancer GRCh37_chr2:73828496-73829695; plus strand). Cytogenetic location: 2p13.1.
Variant type: single nucleotide variant.
Coding change: c.12104C>T on transcript NM_001378454.1 (MANE Select); coding-DNA position 12104, C replaced by T.
Protein change: p.Ala4035Val; replaces alanine 4035 with valine.
Molecular consequence: missense variant.
Genome position (GRCh38, 1-based): chr2:73,601,426, C>T. VCF-style: chr2-73601426-C-T. GRCh37 (hg19) VCF-style: chr2-73828553-C-T.
Other names: c.12107C>T, p.Ala4036Val (NM_015120.4); short protein forms A4036V, A4035V.
Identifiers: ClinVar variation 1917389 (VCV001917389.2), dbSNP rs1282752245, ClinGen allele CA347267235.